The following is an entry in ClinVar:

ClinVar aggregate classification (germline): Uncertain significance. Review status: criteria provided, multiple submitters, no conflicts (2 of 4 stars). 3 submissions from 3 submitters: Uncertain significance (3). Last evaluated 2022-04-17.

Conditions:
Cardiovascular phenotype. Identifiers: MedGen CN230736.
Alstrom syndrome (ALMS). Identifiers: Orphanet 64, MedGen C0268425, MONDO:0008763, OMIM 203800.

Allele frequency attached by ClinVar (database versions not stated): ExAC 0.00001; gnomAD 0.00001; gnomAD exomes 0.00001; TOPMed 0.00001.
gnomAD v4.1: 19 of 1,614,016 alleles (0.0012%); highest among the groups gnomAD compares: Non-Finnish European, 0.0015%; no homozygotes.

Submissions (3):

Labcorp Genetics (formerly Invitae), Labcorp
Classification: Uncertain significance for Alstrom syndrome. Last evaluated: 2022-04-17. Review status: criteria provided, single submitter. Criteria: Invitae Variant Classification Sherloc (09022015). Collection method: clinical testing. Allele origin: germline.
Comment: ClinVar contains an entry for this variant (Variation ID: 1030466). In summary, the available evidence is currently insufficient to determine the role of this variant in disease. Therefore, it has been classified as a Variant of Uncertain Significance. Experimental studies and prediction algorithms are not available or were not evaluated, and the functional significance of this variant is currently unknown. This variant has not been reported in the literature in individuals affected with ALMS1-related conditions. This variant is present in population databases (rs761831256, gnomAD 0.003%). This sequence change replaces isoleucine, which is neutral and non-polar, with valine, which is neutral and non-polar, at codon 3153 of the ALMS1 protein (p.Ile3153Val).

Ambry Genetics
Classification: Uncertain significance for Cardiovascular phenotype. Last evaluated: 2022-01-07. Review status: criteria provided, single submitter. Criteria: Ambry Variant Classification Scheme 2023. Collection method: clinical testing. Allele origin: germline.
Comment: The p.I3153V variant (also known as c.9457A>G), located in coding exon 10 of the ALMS1 gene, results from an A to G substitution at nucleotide position 9457. The isoleucine at codon 3153 is replaced by valine, an amino acid with highly similar properties. This amino acid position is well conserved in available vertebrate species. In addition, this alteration is predicted to be tolerated by in silico analysis. Since supporting evidence is limited at this time, the clinical significance of this alteration remains unclear.

Baylor Genetics
Classification: Uncertain significance for Alstrom syndrome. Last evaluated: 2019-03-25. Review status: criteria provided, single submitter. Criteria: ACMG Guidelines, 2015. Collection method: clinical testing. Allele origin: unknown. Affected: yes.
Comment: This variant was determined to be of uncertain significance according to ACMG Guidelines, 2015 [PMID:25741868].

NM_001378454.1(ALMS1):c.9454A>G (p.Ile3152Val)

Gene: ALMS1 (ALMS1 centrosome and basal body associated protein; plus strand). Cytogenetic location: 2p13.1.
Variant type: single nucleotide variant.
Coding change: c.9454A>G on transcript NM_001378454.1 (MANE Select); coding-DNA position 9454, A replaced by G.
Protein change: p.Ile3152Val; replaces isoleucine 3152 with valine.
Molecular consequence: missense variant.
Genome position (GRCh38, 1-based): chr2:73,491,413, A>G. VCF-style: chr2-73491413-A-G. GRCh37 (hg19) VCF-style: chr2-73718540-A-G.
Other names: c.9457A>G, p.Ile3153Val (NM_015120.4); short protein forms I3153V, I3152V.
Identifiers: ClinVar variation 1030466 (VCV001030466.5), dbSNP rs761831256, ClinGen allele CA1714661.